The following is an entry in ClinVar:

ClinVar aggregate classification (germline): Uncertain significance. Review status: criteria provided, single submitter (1 of 4 stars). 2 submissions from 2 submitters: Uncertain significance (1). 1 of the submissions does not count toward it. Last evaluated 2025-08-05.

Conditions:
ANKFY1-related disorder. Also called: ANKFY1-related condition.

Allele frequency attached by ClinVar (database versions not stated): gnomAD exomes 0.00002.
gnomAD v4.1: 10 of 1,614,004 alleles (0.00062%); highest among the groups gnomAD compares: Non-Finnish European, 0.00085%; no homozygotes.

Submissions (2):

Ambry Genetics
Classification: Uncertain significance. Last evaluated: 2025-08-05. Review status: criteria provided, single submitter. Criteria: Ambry Variant Classification Scheme 2023. Collection method: clinical testing. Allele origin: germline.

PreventionGenetics, part of Exact Sciences
Classification: Uncertain significance for ANKFY1-related condition. Last evaluated: 2024-05-06. Review status: no assertion criteria provided. Collection method: clinical testing. Allele origin: germline. Not counted in ClinVar's aggregate classification.
Comment: The ANKFY1 c.1241A>C variant is predicted to result in the amino acid substitution p.His414Pro. To our knowledge, this variant has not been reported in the literature. This variant is reported in 0.0018% of alleles in individuals of European (Non-Finnish) descent in gnomAD. At this time, the clinical significance of this variant is uncertain due to the absence of conclusive functional and genetic evidence.

NM_001330063.2(ANKFY1):c.1115A>C (p.His372Pro)

Gene: ANKFY1 (ankyrin repeat and FYVE domain containing 1; minus strand). Cytogenetic location: 17p13.2.
Variant type: single nucleotide variant.
Coding change: c.1115A>C on transcript NM_001330063.2 (MANE Select); coding-DNA position 1115, A replaced by C.
Protein change: p.His372Pro; replaces histidine 372 with proline.
Molecular consequence: missense variant. On other transcripts: non-coding transcript variant (1).
Genome position (GRCh38, 1-based): chr17:4,195,460, T>G on the plus strand (A>C on the coding strand, the complement: ANKFY1 is on the minus strand). VCF-style: chr17-4195460-T-G. GRCh37 (hg19) VCF-style: chr17-4098755-T-G.
Other names: c.1241A>C, p.His414Pro (NM_001257999.3); c.1115A>C, p.His372Pro (NM_016376.5); c.1241A>C (NM_001257999.2); short protein forms H372P, H414P.
Identifiers: ClinVar variation 2515055 (VCV002515055.4), dbSNP rs1390937616, ClinGen allele CA397212955.
Genomic context (GRCh38, chr17:4,195,460, plus strand): 5'-TACTGTTTGCACTGCAGCAGCTGACTGAACACATATTCATTCCCGGCCATGATGGACACA[T>G]GTAAAGGAGTCCTGCGGGATCCAAAAGAAGAGGGGTCAGTTCAGGACAGGCCTGTTCAGG-3'
Protein context (NP_001316992.1, residues 362-382): MQDSKGRTPL[His372Pro]VSIMAGNEYV